The following is an entry in ClinVar:

ClinVar aggregate classification (germline): Uncertain significance. Review status: criteria provided, multiple submitters, no conflicts (2 of 4 stars). 4 submissions from 4 submitters: Uncertain significance (4). Last evaluated 2025-03-22.

Conditions:
Inborn genetic diseases. Identifiers: MedGen C0950123, MeSH D030342.
Joubert syndrome 8 (JBTS8). Identifiers: Orphanet 475, MedGen C2676771, MONDO:0012855, OMIM 612291.

Allele frequency attached by ClinVar (database versions not stated): gnomAD exomes 0.00002 and 0.00004; ExAC 0.00003; gnomAD 0.00014 and 0.00016; TOPMed 0.00014; ESP Exome Variant Server 0.00015; 1000 Genomes Project 30x 0.00016; 1000 Genomes Project 0.00020.
gnomAD v4.1: 50 of 1,588,384 alleles (0.0031%); highest among the groups gnomAD compares: African/African-American, 0.054%; no homozygotes.

Submissions (4):

Ambry Genetics
Classification: Uncertain significance for Inborn genetic diseases. Last evaluated: 2025-03-22. Review status: criteria provided, single submitter. Criteria: Ambry Variant Classification Scheme 2023. Collection method: clinical testing. Allele origin: germline.

Fulgent Genetics
Classification: Uncertain significance for Joubert syndrome 8. Last evaluated: 2024-03-09. Review status: criteria provided, single submitter. Criteria: ACMG Guidelines, 2015. Collection method: clinical testing. Allele origin: germline.

Blueprint Genetics
Classification: Uncertain significance. Last evaluated: 2022-11-01. Review status: criteria provided, single submitter. Criteria: ACMG Guidelines, 2015. Collection method: clinical testing. Allele origin: germline.

Labcorp Genetics (formerly Invitae), Labcorp
Classification: Uncertain significance for Joubert syndrome 8. Last evaluated: 2022-09-06. Review status: criteria provided, single submitter. Criteria: Invitae Variant Classification Sherloc (09022015). Collection method: clinical testing. Allele origin: germline.
Comment: This sequence change replaces proline, which is neutral and non-polar, with leucine, which is neutral and non-polar, at codon 379 of the ARL13B protein (p.Pro379Leu). This variant is present in population databases (rs149587888, gnomAD 0.04%). This variant has not been reported in the literature in individuals affected with ARL13B-related conditions. ClinVar contains an entry for this variant (Variation ID: 1058071). Algorithms developed to predict the effect of missense changes on protein structure and function output the following: SIFT: "Tolerated"; PolyPhen-2: "Benign"; Align-GVGD: "Class C0". The leucine amino acid residue is found in multiple mammalian species, which suggests that this missense change does not adversely affect protein function. In summary, the available evidence is currently insufficient to determine the role of this variant in disease. Therefore, it has been classified as a Variant of Uncertain Significance.

NM_001174150.2(ARL13B):c.1136C>T (p.Pro379Leu)

Gene: ARL13B (ARF like GTPase 13B; plus strand). Cytogenetic location: 3q11.2.
Variant type: single nucleotide variant.
Coding change: c.1136C>T on transcript NM_001174150.2 (MANE Select); coding-DNA position 1136, C replaced by T.
Protein change: p.Pro379Leu; replaces proline 379 with leucine.
Molecular consequence: missense variant. On other transcripts: non-coding transcript variant (2).
Genome position (GRCh38, 1-based): chr3:94,049,517, C>T. VCF-style: chr3-94049517-C-T. GRCh37 (hg19) VCF-style: chr3-93768361-C-T.
Other names: c.827C>T, p.Pro276Leu (NM_001174151.2); c.1091C>T, p.Pro364Leu (NM_001321328.2); c.815C>T, p.Pro272Leu (NM_144996.4); c.1136C>T, p.Pro379Leu (NM_182896.3); c.1136C>T (NM_182896.2); short protein forms P272L, P276L, P364L, P379L.
Identifiers: ClinVar variation 1058071 (VCV001058071.5), dbSNP rs149587888, ClinGen allele CA2504269.